The following is an entry in ClinVar:

ClinVar aggregate classification (germline): Pathogenic. Review status: criteria provided, multiple submitters, no conflicts (2 of 4 stars). 2 submissions from 2 submitters: Pathogenic (2). Last evaluated 2022-07-06.

Conditions:
Hereditary cancer-predisposing syndrome. Also called: Tumor predisposition; Hereditary Cancer Syndrome; Neoplastic Syndromes, Hereditary; Hereditary neoplastic syndrome. Identifiers: Orphanet 140162, MedGen C0027672, MeSH D009386, MONDO:0015356.
Mismatch repair cancer syndrome 3. Identifiers: MedGen C5436807, MONDO:0030841, OMIM 619097.

Submissions (2):

Ambry Genetics
Classification: Pathogenic for Hereditary cancer-predisposing syndrome. Last evaluated: 2022-07-06. Review status: criteria provided, single submitter. Criteria: Ambry Variant Classification Scheme 2023. Collection method: clinical testing. Allele origin: germline.
Comment: The c.2646delT pathogenic mutation, located in coding exon 4 of the MSH6 gene, results from a deletion of one nucleotide at nucleotide position 2646, causing a translational frameshift with a predicted alternate stop codon (p.F882Lfs*24). This alteration is expected to result in loss of function by premature protein truncation or nonsense-mediated mRNA decay. As such, this alteration is interpreted as a disease-causing mutation.

Department of Pathology and Laboratory Medicine, Sinai Health System
Classification: Pathogenic for Mismatch repair cancer syndrome 3. Last evaluated: 2022-06-15. Review status: criteria provided, single submitter. Criteria: ACMG Guidelines, 2015. Collection method: clinical testing. Allele origin: germline. Affected: yes.

NM_000179.3(MSH6):c.2646del (p.Phe882fs)

Gene: MSH6 (mutS homolog 6; plus strand). Cytogenetic location: 2p16.3.
Variant type: Deletion.
Coding change: c.2646del on transcript NM_000179.3 (MANE Select); coding-DNA position 2646, one base deleted (T; older notation c.2646delT).
Protein change: p.Phe882fs; shifts the reading frame from phenylalanine 882.
Molecular consequence: frameshift variant.
Genome position (GRCh38, 1-based): chr2:47,800,629, T deleted; the last of 4 consecutive T bases (chr2:47,800,626-47,800,629); deleting any one gives the same sequence. VCF-style (leftmost placement, unchanged base first): chr2-47800625-GT-G. GRCh37 (hg19) VCF-style: chr2-48027764-GT-G.
Other names: c.2256del, p.Phe752fs (NM_001281492.2); c.1740del, p.Phe580fs (NM_001281493.2, NM_001281494.2); c.2742delT, p.Phe914Leufs (NM_001406795.1, NM_001406802.1); c.2646delT, p.Phe882Leufs (NM_001406796.1, NM_001406798.1, NM_001406800.1 and 2 more transcripts); c.2349delT, p.Phe783Leufs (NM_001406797.1, NM_001406801.1, NM_001406805.1 and 10 more transcripts); c.2121delT, p.Phe707Leufs (NM_001406799.1, NM_001406806.1, NM_001406807.1); c.2568delT, p.Phe856Leufs (NM_001406804.1); c.1740delT, p.Phe580Leufs (NM_001406811.1, NM_001406812.1, NM_001406814.1 and 4 more transcripts); and 2 more; short protein forms F580fs, F752fs, F882fs.
Identifiers: ClinVar variation 1794255 (VCV001794255.3), dbSNP rs2530684705, ClinGen allele CA2580067971.